The following is an entry in ClinVar:

ClinVar aggregate classification (germline): Pathogenic (1 of 4 stars; one submission).

Submission:

Labcorp Genetics (formerly Invitae), Labcorp
Classification: Pathogenic. Last evaluated: 2021-07-15. Review status: criteria provided, single submitter. Criteria: Invitae Variant Classification Sherloc (09022015). Collection method: clinical testing. Allele origin: germline.
Comment: This sequence change creates a premature translational stop signal (p.Glu7*) in the C8orf37 gene. It is expected to result in an absent or disrupted protein product. Loss-of-function variants in C8orf37 are known to be pathogenic (PMID: 22177090, 25802487, 26865426). For these reasons, this variant has been classified as Pathogenic. This variant has not been reported in the literature in individuals affected with C8orf37-related conditions. This variant is not present in population databases (ExAC no frequency).

Literature cited by the submitters: PubMed 22177090; PubMed 25802487; PubMed 26865426.

NM_177965.4(CFAP418):c.19G>T (p.Glu7Ter)

Genes: CFAP418 (cilia and flagella associated protein 418; minus strand), CFAP418-AS1 (CFAP418 antisense RNA 1; plus strand), LOC130000784 (ATAC-STARR-seq lymphoblastoid active region 27655; plus strand). Cytogenetic location: 8q22.1.
Variant type: single nucleotide variant.
Coding change: c.19G>T on transcript NM_177965.4 (MANE Select); coding-DNA position 19, G replaced by T.
Protein change: p.Glu7Ter; replaces glutamic acid 7 with a stop codon.
Molecular consequence: nonsense.
Genome position (GRCh38, 1-based): chr8:95,269,171, C>A on the plus strand (G>T on the coding strand, the complement: CFAP418 is on the minus strand). VCF-style: chr8-95269171-C-A. GRCh37 (hg19) VCF-style: chr8-96281399-C-A.
Other names: c.19G>T, p.Glu7Ter (NM_001363260.1); short protein forms E7*.
Identifiers: ClinVar variation 1681158 (VCV001681158.6), dbSNP rs2132171826, ClinGen allele CA371838007.